The following is an entry in ClinVar:

ClinVar aggregate classification (germline): Pathogenic/Likely pathogenic. Review status: criteria provided, multiple submitters, no conflicts (2 of 4 stars). 2 submissions from 2 submitters: Pathogenic (1); Likely pathogenic (1). Last evaluated 2023-10-10.

Conditions:
Polycystic kidney disease, adult type (PKD1). Also called: POLYCYSTIC KIDNEY DISEASE 1 WITH OR WITHOUT POLYCYSTIC LIVER DISEASE; POLYCYSTIC KIDNEY DISEASE, ADULT, TYPE I; Polycystic Kidney, Autosomal Dominant; Polycystic Kidney Disease 1, Autosomal Dominant; Polycystic kidney disease 1; Polycystic kidney disease 1, severe. Identifiers: MedGen C3149841, MONDO:0008263, OMIM 173900.

Submissions (2):

Institute of Human Genetics, University of Leipzig Medical Center
Classification: Pathogenic for Polycystic kidney disease, adult type. Last evaluated: 2023-10-10. Review status: criteria provided, single submitter. Criteria: ACMG Guidelines, 2015. Collection method: clinical testing. Allele origin: unknown. Inheritance: Autosomal dominant inheritance. Affected: yes.
Comment: Criteria applied: PVS1,PS4_SUP,PM2_SUP

Athena Diagnostics
Classification: Likely pathogenic. Last evaluated: 2019-08-02. Review status: criteria provided, single submitter. Criteria: Athena Diagnostics Criteria. Collection method: clinical testing. Allele origin: germline.
Comment: The variant creates a premature nonsense codon, and is therefore predicted to result in the loss of a functional protein. Not found in the total gnomAD dataset, and the data is high quality (0/178710 chr).

NM_001009944.3(PKD1):c.8049C>A (p.Cys2683Ter)

Gene: PKD1 (polycystin 1, transient receptor potential channel interacting; minus strand). Cytogenetic location: 16p13.3.
Variant type: single nucleotide variant.
Coding change: c.8049C>A on transcript NM_001009944.3 (MANE Select); coding-DNA position 8049, C replaced by A.
Protein change: p.Cys2683Ter; replaces cysteine 2683 with a stop codon.
Molecular consequence: nonsense.
Genome position (GRCh38, 1-based): chr16:2,104,610, G>T on the plus strand (C>A on the coding strand, the complement: PKD1 is on the minus strand). VCF-style: chr16-2104610-G-T. GRCh37 (hg19) VCF-style: chr16-2154611-G-T.
Other names: c.8049C>A, p.Cys2683Ter (NM_000296.4); short protein forms C2683*.
Identifiers: ClinVar variation 805187 (VCV000805187.2), dbSNP rs377029031, ClinGen allele CA394365557.